The following is an entry in ClinVar:

NM_172364.5(CACNA2D4):c.2780G>T (p.Gly927Val)

Gene: CACNA2D4 (calcium voltage-gated channel auxiliary subunit alpha2delta 4; minus strand). Cytogenetic location: 12p13.33.
Variant type: single nucleotide variant.
Coding change: c.2780G>T on transcript NM_172364.5 (MANE Select); coding-DNA position 2780, G replaced by T.
Protein change: p.Gly927Val; replaces glycine 927 with valine.
Molecular consequence: missense variant.
Genome position (GRCh38, 1-based): chr12:1,801,586, C>A on the plus strand (G>T on the coding strand, the complement: CACNA2D4 is on the minus strand). VCF-style: chr12-1801586-C-A. GRCh37 (hg19) VCF-style: chr12-1910752-C-A.
Other names: short protein forms G927V.
Identifiers: ClinVar variation 1394086 (VCV001394086.6), dbSNP rs571129509, ClinGen allele CA6386211.

ClinVar aggregate classification (germline): Uncertain significance (1 of 4 stars; one submission).

Allele frequency attached by ClinVar (database versions not stated): gnomAD 0.00001; ExAC 0.00003; 1000 Genomes Project 0.00020; 1000 Genomes Project 30x 0.00031.
gnomAD v4.1: 2 of 1,589,400 alleles (0.00013%); highest among the groups gnomAD compares: African/African-American, 0.0013%; no homozygotes.

Submission:

Labcorp Genetics (formerly Invitae), Labcorp
Classification: Uncertain significance. Last evaluated: 2021-11-19. Review status: criteria provided, single submitter. Criteria: Invitae Variant Classification Sherloc (09022015). Collection method: clinical testing. Allele origin: germline.
Comment: This sequence change replaces glycine, which is neutral and non-polar, with valine, which is neutral and non-polar, at codon 927 of the CACNA2D4 protein (p.Gly927Val). This variant is not present in population databases (gnomAD no frequency). This variant has not been reported in the literature in individuals affected with CACNA2D4-related conditions. Algorithms developed to predict the effect of missense changes on protein structure and function are either unavailable or do not agree on the potential impact of this missense change (SIFT: "Deleterious"; PolyPhen-2: "Possibly Damaging"; Align-GVGD: "Class C0"). In summary, the available evidence is currently insufficient to determine the role of this variant in disease. Therefore, it has been classified as a Variant of Uncertain Significance.